The following is an entry in ClinVar:

ClinVar aggregate classification (germline): Uncertain significance. Review status: criteria provided, multiple submitters, no conflicts (2 of 4 stars). 2 submissions from 2 submitters: Uncertain significance (2). Last evaluated 2024-12-01.

Conditions:
Dystonia 24 (DYT24). Also called: DYT-ANO3. Identifiers: Orphanet 420485, MedGen C3554374, MONDO:0014019, OMIM 615034.

Submissions (2):

CeGaT Center for Human Genetics Tuebingen
Classification: Uncertain significance. Last evaluated: 2024-12-01. Review status: criteria provided, single submitter. Criteria: CeGaT Center For Human Genetics Tuebingen Variant Classification Criteria Version 2. Collection method: clinical testing. Allele origin: germline. Affected: yes. Observed: 1 variant allele.
Comment: ANO3: PM2

Revvity Omics, Revvity
Classification: Uncertain significance for Dystonia 24. Last evaluated: 2022-06-16. Review status: criteria provided, single submitter. Criteria: ACMG Guidelines, 2015. Collection method: clinical testing. Allele origin: germline.

NM_031418.4(ANO3):c.827C>G (p.Ser276Ter)

Gene: ANO3 (anoctamin 3; plus strand). Cytogenetic location: 11p14.2.
Variant type: single nucleotide variant.
Coding change: c.827C>G on transcript NM_031418.4 (MANE Select); coding-DNA position 827, C replaced by G.
Protein change: p.Ser276Ter; replaces serine 276 with a stop codon.
Molecular consequence: nonsense.
Genome position (GRCh38, 1-based): chr11:26,531,294, C>G. VCF-style: chr11-26531294-C-G. GRCh37 (hg19) VCF-style: chr11-26552841-C-G.
Other names: c.1010C>G, p.Ser337Ter (NM_001313726.2); c.389C>G, p.Ser130Ter (NM_001313727.2); short protein forms S130*, S276*, S337*.
Identifiers: ClinVar variation 2439110 (VCV002439110.16), dbSNP rs2494995355, ClinGen allele CA379930109.